The following is an entry in ClinVar:

NM_000285.4(PEPD):c.330G>C (p.Lys110Asn)

Gene: PEPD (peptidase D; minus strand). Cytogenetic location: 19q13.11.
Variant type: single nucleotide variant.
Coding change: c.330G>C on transcript NM_000285.4 (MANE Select); coding-DNA position 330, G replaced by C.
Protein change: p.Lys110Asn; replaces lysine 110 with asparagine.
Molecular consequence: missense variant. On other transcripts: intron variant (1).
Genome position (GRCh38, 1-based): chr19:33,501,001, C>G on the plus strand (G>C on the coding strand, the complement: PEPD is on the minus strand). VCF-style: chr19-33501001-C-G. GRCh37 (hg19) VCF-style: chr19-33991907-C-G.
Other names: c.330G>C, p.Lys110Asn (NM_001166056.2); c.202-7664G>C (NM_001166057.2); short protein forms K110N.
Identifiers: ClinVar variation 1518030 (VCV001518030.6), dbSNP rs1175281434, ClinGen allele CA405231244.
Genomic context (GRCh38, chr19:33,501,001, plus strand): 5'-ATCTACGTACTGGACGTCGTCCACGGCATACTTCTCCTTGAAGTGCTCCTTGGAATGGAT[C>G]CTCAAAGAAAAGCACAAGGAATATCAGGGTCAGGGCTTGGTAATGGCTCAGCATGGCCAC-3'
Protein context (NP_000276.2, residues 100-120): LPASHATWMG[Lys110Asn]IHSKEHFKEK

ClinVar aggregate classification (germline): Uncertain significance (1 of 4 stars; one submission).

Allele frequency attached by ClinVar (database versions not stated): TOPMed below 0.00001; gnomAD exomes 0.00001.

Submission:

Labcorp Genetics (formerly Invitae), Labcorp
Classification: Uncertain significance. Last evaluated: 2025-04-14. Review status: criteria provided, single submitter. Criteria: Invitae Variant Classification Sherloc (09022015). Collection method: clinical testing. Allele origin: germline.
Comment: This sequence change replaces lysine, which is basic and polar, with asparagine, which is neutral and polar, at codon 110 of the PEPD protein (p.Lys110Asn). This variant is present in population databases (no rsID available, gnomAD 0.002%). This variant has not been reported in the literature in individuals affected with PEPD-related conditions. ClinVar contains an entry for this variant (Variation ID: 1518030). Invitae Evidence Modeling of protein sequence and biophysical properties (such as structural, functional, and spatial information, amino acid conservation, physicochemical variation, residue mobility, and thermodynamic stability) indicates that this missense variant is not expected to disrupt PEPD protein function with a negative predictive value of 95%. Algorithms developed to predict the effect of sequence changes on RNA splicing suggest that this variant may disrupt the consensus splice site. In summary, the available evidence is currently insufficient to determine the role of this variant in disease. Therefore, it has been classified as a Variant of Uncertain Significance.